The following is an entry in ClinVar:

ClinVar aggregate classification (germline): Uncertain significance. Review status: criteria provided, multiple submitters, no conflicts (2 of 4 stars). 2 submissions from 2 submitters: Uncertain significance (2). Last evaluated 2025-02-16.

Conditions:
Inborn genetic diseases. Identifiers: MedGen C0950123, MeSH D030342.

Allele frequency attached by ClinVar (database versions not stated): gnomAD exomes 0.00001.
gnomAD v4.1: 10 of 1,612,838 alleles (0.00062%); highest among the groups gnomAD compares: Non-Finnish European, 0.00085%; no homozygotes.

Submissions (2):

Ambry Genetics
Classification: Uncertain significance for Inborn genetic diseases. Last evaluated: 2025-02-16. Review status: criteria provided, single submitter. Criteria: Ambry Variant Classification Scheme 2023. Collection method: clinical testing. Allele origin: germline.
Comment: The p.E1414K variant (also known as c.4240G>A), located in coding exon 30 of the ANKRD26 gene, results from a G to A substitution at nucleotide position 4240. The glutamic acid at codon 1414 is replaced by lysine, an amino acid with similar properties. This amino acid position is conserved. In addition, this alteration is predicted to be tolerated by in silico analysis. Based on the available evidence, the clinical significance of this variant remains unclear.

Labcorp Genetics (formerly Invitae), Labcorp
Classification: Uncertain significance. Last evaluated: 2023-11-07. Review status: criteria provided, single submitter. Criteria: Invitae Variant Classification Sherloc (09022015). Collection method: clinical testing. Allele origin: germline.
Comment: This sequence change replaces glutamic acid, which is acidic and polar, with lysine, which is basic and polar, at codon 1414 of the ANKRD26 protein (p.Glu1414Lys). This variant is not present in population databases (gnomAD no frequency). This variant has not been reported in the literature in individuals affected with ANKRD26-related conditions. An algorithm developed to predict the effect of missense changes on protein structure and function (PolyPhen-2) suggests that this variant is likely to be disruptive. In summary, the available evidence is currently insufficient to determine the role of this variant in disease. Therefore, it has been classified as a Variant of Uncertain Significance.

NM_014915.3(ANKRD26):c.4240G>A (p.Glu1414Lys)

Gene: ANKRD26 (ankyrin repeat domain 26; minus strand). Cytogenetic location: 10p12.1.
Variant type: single nucleotide variant.
Coding change: c.4240G>A on transcript NM_014915.3 (MANE Select); coding-DNA position 4240, G replaced by A.
Protein change: p.Glu1414Lys; replaces glutamic acid 1414 with lysine.
Molecular consequence: missense variant.
Genome position (GRCh38, 1-based): chr10:27,017,768, C>T on the plus strand (G>A on the coding strand, the complement: ANKRD26 is on the minus strand). VCF-style: chr10-27017768-C-T. GRCh37 (hg19) VCF-style: chr10-27306697-C-T.
Other names: c.4237G>A, p.Glu1413Lys (NM_001256053.2); short protein forms E1413K, E1414K.
Identifiers: ClinVar variation 2898603 (VCV002898603.4), dbSNP rs2538574506, ClinGen allele CA376358265.
Genomic context (GRCh38, chr10:27,017,768, plus strand): 5'-ACTCCTCTTGAAGAATTTGGTTCTTTGTATCCAGATGTAGACATTTTGAACCTGCAGTCT[C>T]CAGTTCTGCTGTAAGATCATCAATCTGAATGAAGACAATAATATAGTGTAATAATGAAGG-3'
Protein context (NP_055730.2, residues 1404-1424): HKIDDLTAEL[Glu1414Lys]TAGSKCLHLD